The following is an entry in ClinVar:

NM_005359.6(SMAD4):c.1320G>T (p.Leu440Phe)

Gene: SMAD4 (SMAD family member 4; plus strand). Cytogenetic location: 18q21.2.
Variant type: single nucleotide variant.
Coding change: c.1320G>T on transcript NM_005359.6 (MANE Select); coding-DNA position 1320, G replaced by T.
Protein change: p.Leu440Phe; replaces leucine 440 with phenylalanine.
Molecular consequence: missense variant. On other transcripts: non-coding transcript variant (1).
Genome position (GRCh38, 1-based): chr18:51,076,649, G>T. VCF-style: chr18-51076649-G-T. GRCh37 (hg19) VCF-style: chr18-48603019-G-T.
Other names: c.1320G>T, p.Leu440Phe (NM_001407041.1, NM_001407042.1); short protein forms L440F.
Identifiers: ClinVar variation 4756596 (VCV004756596.2).

ClinVar aggregate classification (germline): Uncertain significance. Review status: criteria provided, multiple submitters, no conflicts (2 of 4 stars). 2 submissions from 2 submitters: Uncertain significance (2). Last evaluated 2026-06-02.

Conditions:
Hereditary cancer-predisposing syndrome. Also called: Neoplastic Syndromes, Hereditary; Tumor predisposition; Hereditary Cancer Syndrome; Hereditary neoplastic syndrome. Identifiers: Orphanet 140162, MedGen C0027672, MeSH D009386, MONDO:0015356.
Familial thoracic aortic aneurysm and aortic dissection (TAAD). Also called: Thoracic aortic aneurysms and dissections. Identifiers: Orphanet 91387, MedGen C4707243, MONDO:0019625.

Submissions (2):

Ambry Genetics
Classification: Uncertain significance for Hereditary cancer-predisposing syndrome; Familial thoracic aortic aneurysm and aortic dissection. Last evaluated: 2026-06-02. Review status: criteria provided, single submitter. Criteria: Ambry Variant Classification Scheme 2023. Collection method: clinical testing. Allele origin: germline.
Comment: The p.L440F variant (also known as c.1320G>T), located in coding exon 10 of the SMAD4 gene, results from a G to T substitution at nucleotide position 1320. The leucine at codon 440 is replaced by phenylalanine, an amino acid with highly similar properties. This amino acid position is conserved. In addition, this alteration is predicted to be deleterious by in silico analysis. Based on the available evidence, the clinical significance of this variant remains unclear.

Color Diagnostics, LLC DBA Color Health
Classification: Uncertain significance for Hereditary cancer-predisposing syndrome. Last evaluated: 2025-09-11. Review status: criteria provided, single submitter. Criteria: ACMG Guidelines, 2015. Collection method: clinical testing. Allele origin: germline.
Comment: This missense variant replaces leucine with phenylalanine at codon 440 of the SMAD4 protein. Computational prediction suggests that this variant may have deleterious impact on protein structure and function. To our knowledge, functional studies have not been reported for this variant. This variant has not been reported in individuals affected with SMAD4-related disorders in the literature. This variant has not been identified in the general population by the Genome Aggregation Database (gnomAD). The available evidence is insufficient to determine the role of this variant in disease conclusively. Therefore, this variant is classified as a Variant of Uncertain Significance.